The following is an entry in ClinVar:

NC_000012.12:g.(?_57750646)_(57751717_?)dup

Gene: CDK4 (cyclin dependent kinase 4; minus strand). Cytogenetic location: 12q14.1.
Variant type: Duplication.
Identifiers: ClinVar variation 832478 (VCV000832478.5).

ClinVar aggregate classification (germline): Uncertain significance (1 of 4 stars; one submission).

Conditions:
Familial melanoma. Also called: Hereditary melanoma; Hereditary cutaneous melanoma. Identifiers: Orphanet 618, MedGen C1512419, MONDO:0018961.

Submission:

Labcorp Genetics (formerly Invitae), Labcorp
Classification: Uncertain significance for Familial melanoma. Last evaluated: 2022-11-01. Review status: criteria provided, single submitter. Criteria: Invitae Variant Classification Sherloc (09022015). Collection method: clinical testing. Allele origin: germline.
Comment: This variant results in a copy number gain of the genomic region encompassing exon(s) 2-5 of the CDK4 gene. This region includes the initiator codon of the gene. This copy number gain extends beyond the assayed region for this gene and therefore may encompass additional genes. As the precise location of this event is unknown, it may be in tandem or it may be located elsewhere in the genome. This variant has not been reported in the literature in individuals affected with CDK4-related conditions. In summary, the available evidence is currently insufficient to determine the role of this variant in disease. Therefore, it has been classified as a Variant of Uncertain Significance.